The following is an entry in ClinVar:

NM_053025.4(MYLK):c.2231T>A (p.Ile744Lys)

Gene: MYLK (myosin light chain kinase; minus strand). Cytogenetic location: 3q21.1.
Variant type: single nucleotide variant.
Coding change: c.2231T>A on transcript NM_053025.4 (MANE Select); coding-DNA position 2231, T replaced by A.
Protein change: p.Ile744Lys; replaces isoleucine 744 with lysine.
Molecular consequence: missense variant.
Genome position (GRCh38, 1-based): chr3:123,707,913, A>T on the plus strand (T>A on the coding strand, the complement: MYLK is on the minus strand). VCF-style: chr3-123707913-A-T. GRCh37 (hg19) VCF-style: chr3-123426760-A-T.
Other names: c.1703T>A, p.Ile568Lys (NM_001321309.2); c.2024T>A, p.Ile675Lys (NM_053026.4, NM_053028.4); c.2231T>A, p.Ile744Lys (NM_053027.4); short protein forms I568K, I675K, I744K.
Identifiers: ClinVar variation 3297590 (VCV003297590.1).

ClinVar aggregate classification (germline): Uncertain significance (1 of 4 stars; one submission).

Conditions:
Familial thoracic aortic aneurysm and aortic dissection (TAAD). Also called: Thoracic aortic aneurysms and dissections. Identifiers: Orphanet 91387, MedGen C4707243, MONDO:0019625.

gnomAD v4.1: 1 of 1,614,218 alleles (0.000062%); highest among the groups gnomAD compares: Non-Finnish European, 0.000085%; no homozygotes.

Submission:

Ambry Genetics
Classification: Uncertain significance for Familial thoracic aortic aneurysm and aortic dissection. Last evaluated: 2024-03-17. Review status: criteria provided, single submitter. Criteria: Ambry Variant Classification Scheme 2023. Collection method: clinical testing. Allele origin: germline.
Comment: The p.I744K variant (also known as c.2231T>A), located in coding exon 13 of the MYLK gene, results from a T to A substitution at nucleotide position 2231. The isoleucine at codon 744 is replaced by lysine, an amino acid with dissimilar properties. This amino acid position is conserved. In addition, this alteration is predicted to be deleterious by in silico analysis. Based on the available evidence, the clinical significance of this alteration remains unclear.